The following is an entry in ClinVar:

NM_022893.4(BCL11A):c.28C>T (p.Gln10Ter)

Gene: BCL11A (BCL11 transcription factor A; minus strand). Cytogenetic location: 2p16.1.
Variant type: single nucleotide variant.
Coding change: c.28C>T on transcript NM_022893.4 (MANE Select); coding-DNA position 28, C replaced by T.
Protein change: p.Gln10Ter; replaces glutamine 10 with a stop codon.
Molecular consequence: nonsense. On other transcripts: 5 prime UTR variant (5).
Genome position (GRCh38, 1-based): chr2:60,553,243, G>A on the plus strand (C>T on the coding strand, the complement: BCL11A is on the minus strand). VCF-style: chr2-60553243-G-A. GRCh37 (hg19) VCF-style: chr2-60780378-G-A.
Other names: c.28C>T, p.Gln10Ter (NM_001363864.1, NM_001365609.1, NM_001405708.1 and 10 more transcripts); c.-398C>T (NM_001405721.1); c.-648C>T (NM_001405725.1, NM_001405726.1, NM_001405731.1); c.-505C>T (NM_001405728.1); short protein forms Q10*.
Identifiers: ClinVar variation 3372531 (VCV003372531.2).

ClinVar aggregate classification (germline): Pathogenic (1 of 4 stars; one submission).

Submission:

GeneDx
Classification: Pathogenic. Last evaluated: 2025-09-20. Review status: criteria provided, single submitter. Criteria: GeneDx Variant Classification Process June 2021. Collection method: clinical testing. Allele origin: germline. Affected: yes.
Comment: Nonsense variant predicted to result in protein truncation or nonsense mediated decay in a gene for which loss of function is a known mechanism of disease; Not observed at significant frequency in large population cohorts (gnomAD); This variant is associated with the following publications: (PMID: 34490615)